The following is an entry in ClinVar:

GRCh38/hg38 Xp22.31(chrX:6570680-8082609)x2

Genes: MIR4767 (microRNA 4767; plus strand), PNPLA4 (patatin like phospholipase domain containing 4; minus strand), PUDP (pseudouridine 5'-phosphatase; minus strand), STS (steroid sulfatase; plus strand), VCX (variable charge X-linked; plus strand) and 20 more. Cytogenetic location: Xp22.31.
Variant type: copy number gain.
Change: copy number 2 of chrX:6,570,680-8,082,609 (1.51 Mb, GRCh38 coordinates, 1-based), cytogenetic band Xp22.31.
Identifiers: ClinVar variation 57154 (VCV000057154.1).

ClinVar aggregate classification (germline): Benign (1 of 4 stars; one submission).

Submission:

ISCA site 4
Classification: Benign. Last evaluated: 2011-08-12. Review status: criteria provided, single submitter. Criteria: Kaminsky et al. (Genet Med. 2011). Collection method: clinical testing. Allele origin: unknown. Affected: yes. Observed: 1 variant allele.
Comment: Copy number variation identified through the course of routine clinical cytogenomic testing in postnatal populations. Clinical assertions have been curated as described in Kaminsky et al. 2011.